The following is an entry in ClinVar:

NM_001113378.2(FANCI):c.1163T>C (p.Ile388Thr)

Gene: FANCI (FA complementation group I; plus strand). Cytogenetic location: 15q26.1.
Variant type: single nucleotide variant.
Coding change: c.1163T>C on transcript NM_001113378.2 (MANE Select); coding-DNA position 1163, T replaced by C.
Protein change: p.Ile388Thr; replaces isoleucine 388 with threonine.
Molecular consequence: missense variant.
Genome position (GRCh38, 1-based): chr15:89,276,761, T>C. VCF-style: chr15-89276761-T-C. GRCh37 (hg19) VCF-style: chr15-89819992-T-C.
Other names: c.884T>C, p.Ile295Thr (NM_001376910.1); c.1163T>C, p.Ile388Thr (NM_001376911.1, NM_018193.3); short protein forms I295T, I388T.
Identifiers: ClinVar variation 1383311 (VCV001383311.7), dbSNP rs1174812931, ClinGen allele CA393742081.

ClinVar aggregate classification (germline): Uncertain significance (1 of 4 stars; one submission).

Conditions:
Fanconi anemia (FA). Also called: Fanconi's anemia. Identifiers: Orphanet 84, MedGen C0015625, MeSH D005199, MONDO:0019391.

Allele frequency attached by ClinVar (database versions not stated): gnomAD exomes below 0.00001 and 0.00001.
gnomAD v4.1: 13 of 1,614,216 alleles (0.00081%); highest among the groups gnomAD compares: East Asian, 0.0045%; no homozygotes.

Submission:

Labcorp Genetics (formerly Invitae), Labcorp
Classification: Uncertain significance for Fanconi anemia. Last evaluated: 2024-04-11. Review status: criteria provided, single submitter. Criteria: Invitae Variant Classification Sherloc (09022015). Collection method: clinical testing. Allele origin: germline.
Comment: This sequence change replaces isoleucine, which is neutral and non-polar, with threonine, which is neutral and polar, at codon 388 of the FANCI protein (p.Ile388Thr). This variant is present in population databases (no rsID available, gnomAD 0.006%). This variant has not been reported in the literature in individuals affected with FANCI-related conditions. ClinVar contains an entry for this variant (Variation ID: 1383311). Advanced modeling of protein sequence and biophysical properties (such as structural, functional, and spatial information, amino acid conservation, physicochemical variation, residue mobility, and thermodynamic stability) performed at Invitae indicates that this missense variant is not expected to disrupt FANCI protein function with a negative predictive value of 80%. In summary, the available evidence is currently insufficient to determine the role of this variant in disease. Therefore, it has been classified as a Variant of Uncertain Significance.